The following is an entry in ClinVar:

ClinVar aggregate classification (germline): Conflicting classifications of pathogenicity. Review status: criteria provided, conflicting classifications (1 of 4 stars). 5 submissions from 5 submitters: Likely pathogenic (3); Uncertain significance (1). 1 of the submissions does not count toward it. Last evaluated 2025-12-29.

Conditions:
Factor V deficiency. Also called: Reduced coagulation factor V activity. Identifiers: Orphanet 326, MedGen C4317320, MONDO:0020586, HP:0003225.
Thrombophilia due to activated protein C resistance (THPH2). Also called: PCCF DEFICIENCY; PROC COFACTOR DEFICIENCY; THROMBOPHILIA DUE TO DEFICIENCY OF ACTIVATED PROTEIN C COFACTOR; THROMBOPHILIA V; APC resistance; Hereditary Resistance to Activated Protein C. Identifiers: MedGen C1861171, MONDO:0008560, OMIM 188055. Disease mechanism: loss of function, gain of function.
F5-related disorder. Also called: F5-related condition.

Allele frequency attached by ClinVar (database versions not stated): TOPMed below 0.00001; gnomAD 0.00002; ExAC 0.00004; gnomAD exomes 0.00005.

Submissions (5):

Center for Genomic Medicine, Rigshospitalet, Copenhagen University Hospital
Classification: Likely pathogenic. Last evaluated: 2025-12-29. Review status: criteria provided, single submitter. Criteria: ACMG Guidelines, 2015. Collection method: clinical testing. Allele origin: germline.
Comment: Classification criteria: PS4_Moderate, PM3, PM2_Supporting, PP3_+3

North West Genomic Laboratory Hub, Manchester University NHS Foundation Trust
Classification: Likely pathogenic for Factor V deficiency. Last evaluated: 2024-12-13. Review status: criteria provided, single submitter. Criteria: ACGS Best Practice Guidelines for Variant Classification in Rare Disease 2024. Collection method: clinical testing. Allele origin: germline. Affected: yes.
Comment: PP3_Supp PM2_Mod PP4_Mod PM3_Supp

Genomic Medicine Center of Excellence, King Faisal Specialist Hospital and Research Centre
Classification: Uncertain significance for Thrombophilia due to activated protein C resistance. Last evaluated: 2024-04-04. Review status: criteria provided, single submitter. Criteria: ACMG Guidelines, 2015. Collection method: clinical testing. Allele origin: germline.

NIHR Bioresource Rare Diseases, University of Cambridge
Classification: Likely pathogenic for Congenital factor V deficiency. Last evaluated: 2019-02-01. Review status: criteria provided, single submitter. Criteria: ACMG Guidelines, 2015. Collection method: research. Allele origin: unknown. Affected: yes. Observed: 1 heterozygote. Study: ThromboGenomics.

PreventionGenetics, part of Exact Sciences
Classification: Likely pathogenic for F5-related condition. Last evaluated: 2023-10-24. Review status: no assertion criteria provided. Collection method: clinical testing. Allele origin: germline. Not counted in ClinVar's aggregate classification.
Comment: The F5 c.1321C>T variant is predicted to result in the amino acid substitution p.Arg441Cys. This variant has been reported in the compound heterozygous state with another missense variant in a patient with moderate Factor V deficiency (described as C1321T (Arg413Cys) in Jin et al. 2009. PubMed ID: 19900106). The proband’s unaffected mother and unaffected son were both heterozygous for the p.Arg441Cys variant. This variant was also observed in the heterozygous state (in the absence of a second plausible causative variant) in one patient referred for genetic analysis due to either bleeding or asymptomatic mild/borderline factor V deficiency detected during routine coagulation testing (described as Arg413Cys in Delev et al. 2009. PubMed ID: 19486170) and in a second patient with a bleeding, thrombotic, or platelet disorder (Downes et al. 2019. PubMed ID: 31064749). We have also observed this variant at PreventionGenetics in a trans configuration with other pathogenic variants in patients with factor V deficiency. We interpret this variant as likely pathogenic.

Literature cited by the submitters: PubMed 31064749 (cited by NIHR Bioresource Rare Diseases, University of Cambridge).

NM_000130.5(F5):c.1321C>T (p.Arg441Cys)

Gene: F5 (coagulation factor V; minus strand). Cytogenetic location: 1q24.2.
Variant type: single nucleotide variant.
Coding change: c.1321C>T on transcript NM_000130.5 (MANE Select); coding-DNA position 1321, C replaced by T.
Protein change: p.Arg441Cys; replaces arginine 441 with cysteine.
Molecular consequence: missense variant.
Genome position (GRCh38, 1-based): chr1:169,550,715, G>A on the plus strand (C>T on the coding strand, the complement: F5 is on the minus strand). VCF-style: chr1-169550715-G-A. GRCh37 (hg19) VCF-style: chr1-169519953-G-A.
Other names: short protein forms R441C.
Identifiers: ClinVar variation 627229 (VCV000627229.12), dbSNP rs747006175, ClinGen allele CA1234353.